The following is an entry in ClinVar:

ClinVar aggregate classification (germline): Uncertain significance. Review status: criteria provided, multiple submitters, no conflicts (2 of 4 stars). 2 submissions from 2 submitters: Uncertain significance (2). Last evaluated 2025-04-04.

Allele frequency attached by ClinVar (database versions not stated): gnomAD 0.00034; TOPMed 0.00036; ExAC 0.00053; gnomAD exomes 0.00065; ESP Exome Variant Server 0.00088.
gnomAD v4.1: 1,006 of 1,613,802 alleles (0.062%); highest among the groups gnomAD compares: Non-Finnish European, 0.08%; 2 homozygotes.

Submissions (2):

Ambry Genetics
Classification: Uncertain significance. Last evaluated: 2025-04-04. Review status: criteria provided, single submitter. Criteria: Ambry Variant Classification Scheme 2023. Collection method: clinical testing. Allele origin: germline.

CeGaT Center for Human Genetics Tuebingen
Classification: Uncertain significance. Last evaluated: 2023-11-01. Review status: criteria provided, single submitter. Criteria: CeGaT Center For Human Genetics Tuebingen Variant Classification Criteria Version 2. Collection method: clinical testing. Allele origin: germline. Affected: yes. Observed: 1 variant allele.
Comment: DNAH10: PM2, BP4

NM_001372106.1(DNAH10):c.11363C>T (p.Ser3788Phe)

Genes: DNAH10 (dynein axonemal heavy chain 10; plus strand), LOC126861667 (CDK7 strongly-dependent group 2 enhancer GRCh37_chr12:124402328-124403527; plus strand). Cytogenetic location: 12q24.31.
Variant type: single nucleotide variant.
Coding change: c.11363C>T on transcript NM_001372106.1 (MANE Select); coding-DNA position 11363, C replaced by T.
Protein change: p.Ser3788Phe; replaces serine 3788 with phenylalanine.
Molecular consequence: missense variant.
Genome position (GRCh38, 1-based): chr12:123,918,806, C>T. VCF-style: chr12-123918806-C-T. GRCh37 (hg19) VCF-style: chr12-124403353-C-T.
Other names: c.11009C>T, p.Ser3670Phe (NM_001083900.1, NM_207437.3); short protein forms S3788F, S3670F.
Identifiers: ClinVar variation 2266918 (VCV002266918.25), dbSNP rs200033987, ClinGen allele CA6865630.